The following is an entry in ClinVar:

NM_001110556.2(FLNA):c.7005_7008del (p.Thr2336fs)

Gene: FLNA (filamin A; minus strand). Cytogenetic location: Xq28.
Variant type: Deletion.
Coding change: c.7005_7008del on transcript NM_001110556.2 (MANE Select); coding-DNA positions 7005 to 7008, 4 bases deleted (CACT; older notation c.7005_7008delCACT).
Protein change: p.Thr2336fs; shifts the reading frame from threonine 2336.
Molecular consequence: frameshift variant.
Genome position (GRCh38, 1-based): chrX:154,351,596-154,351,599, AGTG deleted on the plus strand (CACT on the coding strand, the reverse complement: FLNA is on the minus strand); deleting any 4 consecutive bases within chrX:154,351,596-154,351,601 gives the same sequence; the c. name uses the placement nearest the transcript's 3' end. VCF-style (leftmost placement, unchanged base first): chrX-154351595-CAGTG-C. GRCh37 (hg19) VCF-style: chrX-153579963-CAGTG-C.
Other names: c.6981_6984del, p.Thr2328fs (NM_001456.4); short protein forms T2328fs, T2336fs.
Identifiers: ClinVar variation 1457183 (VCV001457183.6), dbSNP rs2148103004, ClinGen allele CA2573159411.

ClinVar aggregate classification (germline): Pathogenic (1 of 4 stars; one submission).

Conditions:
Melnick-Needles syndrome (MNS). Also called: MELNICK-NEEDLES OSTEODYSPLASTY; Melnick-Needles Syndrome (FLNA-MNS); OSTEODYSPLASTY OF MELNICK AND NEEDLES. Identifiers: Orphanet 2484, MedGen C0025237, MONDO:0010650, OMIM 309350.
Frontometaphyseal dysplasia (FMD1). Identifiers: Orphanet 1826, MedGen C0265293, MONDO:0015942.
Heterotopia, periventricular, X-linked dominant (PVNH1). Also called: PERIVENTRICULAR NODULAR HETEROTOPIA 1; X-linked periventricular heterotopia; PERIVENTRICULAR NODULAR HETEROTOPIA 4; HETEROTOPIA, PERIVENTRICULAR, 1. Identifiers: Orphanet 2149, Orphanet 82004, MedGen C1848213, MONDO:0010233, OMIM 300049.
Oto-palato-digital syndrome, type II (OPD2). Also called: FACIOPALATOOSSEOUS SYNDROME; Otopalatodigital Syndrome Type 2 (FLNA-OPD2); OPD II SYNDROME; Otopalatodigital Syndrome, Type II. Identifiers: Orphanet 669, Orphanet 90652, MedGen C1844696, MONDO:0010571, OMIM 304120.

Submission:

Labcorp Genetics (formerly Invitae), Labcorp
Classification: Pathogenic for Oto-palato-digital syndrome, type II; Heterotopia, periventricular, X-linked dominant; Frontometaphyseal dysplasia; Melnick-Needles syndrome. Last evaluated: 2021-12-17. Review status: criteria provided, single submitter. Criteria: Invitae Variant Classification Sherloc (09022015). Collection method: clinical testing. Allele origin: germline.
Comment: For these reasons, this variant has been classified as Pathogenic. This variant has not been reported in the literature in individuals affected with FLNA-related conditions. This variant is not present in population databases (gnomAD no frequency). This sequence change creates a premature translational stop signal (p.Thr2328Phefs*9) in the FLNA gene. It is expected to result in an absent or disrupted protein product. Loss-of-function variants in FLNA are known to be pathogenic (PMID: 16684786, 20730588, 26471271).

Literature cited by the submitters: PubMed 16684786; PubMed 20730588; PubMed 26471271.